The following is an entry in ClinVar:

ClinVar aggregate classification (germline): Uncertain significance. Review status: criteria provided, multiple submitters, no conflicts (2 of 4 stars). 2 submissions from 2 submitters: Uncertain significance (2). Last evaluated 2023-05-15.

Conditions:
Inborn genetic diseases. Identifiers: MedGen C0950123, MeSH D030342.

Allele frequency attached by ClinVar (database versions not stated): gnomAD 0.00001; gnomAD exomes 0.00001; TOPMed 0.00001; ExAC 0.00002.
gnomAD v4.1: 18 of 1,522,380 alleles (0.0012%); highest among the groups gnomAD compares: Admixed American, 0.0025%; no homozygotes.

Submissions (2):

Ambry Genetics
Classification: Uncertain significance for Inborn genetic diseases. Last evaluated: 2023-05-15. Review status: criteria provided, single submitter. Criteria: Ambry Variant Classification Scheme 2023. Collection method: clinical testing. Allele origin: germline.

Labcorp Genetics (formerly Invitae), Labcorp
Classification: Uncertain significance. Last evaluated: 2022-08-19. Review status: criteria provided, single submitter. Criteria: Invitae Variant Classification Sherloc (09022015). Collection method: clinical testing. Allele origin: germline.
Comment: In summary, the available evidence is currently insufficient to determine the role of this variant in disease. Therefore, it has been classified as a Variant of Uncertain Significance. Algorithms developed to predict the effect of sequence changes on RNA splicing suggest that this variant may create or strengthen a splice site. Algorithms developed to predict the effect of missense changes on protein structure and function are either unavailable or do not agree on the potential impact of this missense change (SIFT: "Deleterious"; PolyPhen-2: "Benign"; Align-GVGD: "Class C15"). This variant has not been reported in the literature in individuals affected with MCM3AP-related conditions. This variant is present in population databases (rs746088986, gnomAD 0.006%). This sequence change replaces aspartic acid, which is acidic and polar, with glycine, which is neutral and non-polar, at codon 1881 of the MCM3AP protein (p.Asp1881Gly).

NM_003906.5(MCM3AP):c.5642A>G (p.Asp1881Gly)

Genes: MCM3AP (minichromosome maintenance complex component 3 associated protein; minus strand), MCM3AP-AS1 (MCM3AP antisense RNA 1; plus strand). Cytogenetic location: 21q22.3.
Variant type: single nucleotide variant.
Coding change: c.5642A>G on transcript NM_003906.5 (MANE Select); coding-DNA position 5642, A replaced by G.
Protein change: p.Asp1881Gly; replaces aspartic acid 1881 with glycine.
Molecular consequence: missense variant.
Genome position (GRCh38, 1-based): chr21:46,236,971, T>C on the plus strand (A>G on the coding strand, the complement: MCM3AP is on the minus strand). VCF-style: chr21-46236971-T-C. GRCh37 (hg19) VCF-style: chr21-47656885-T-C.
Other names: c.5642A>G (NM_003906.3); short protein forms D1881G.
Identifiers: ClinVar variation 1936328 (VCV001936328.7), dbSNP rs746088986, ClinGen allele CA10075782.